The following is an entry in ClinVar:

NM_003995.4(NPR2):c.407A>T (p.Tyr136Phe)

Gene: NPR2 (natriuretic peptide receptor 2; plus strand). Cytogenetic location: 9p13.3.
Variant type: single nucleotide variant.
Coding change: c.407A>T on transcript NM_003995.4 (MANE Select); coding-DNA position 407, A replaced by T.
Protein change: p.Tyr136Phe; replaces tyrosine 136 with phenylalanine.
Molecular consequence: missense variant.
Genome position (GRCh38, 1-based): chr9:35,792,815, A>T. VCF-style: chr9-35792815-A-T. GRCh37 (hg19) VCF-style: chr9-35792812-A-T.
Other names: c.407A>T, p.Tyr136Phe (NM_001378923.1); c.407A>T (NM_003995.3); short protein forms Y136F.
Identifiers: ClinVar variation 2953849 (VCV002953849.4), dbSNP rs2491029044, ClinGen allele CA373363787.
Genomic context (GRCh38, chr9:35,792,815, plus strand): 5'-GCCTTCCCCTGCTGACTGCGGGTGCTGTGGCCTCTGGTTTTTCGGCTAAGAATGACCATT[A>T]TCGTACCCTGGTTCGCACTGGCCCCTCTGCTCCCAAGCTGGGTGAGTTTGTGGTGACACT-3'
Protein context (NP_003986.2, residues 126-146): ASGFSAKNDH[Tyr136Phe]RTLVRTGPSA

ClinVar aggregate classification (germline): Uncertain significance. Review status: criteria provided, multiple submitters, no conflicts (2 of 4 stars). 2 submissions from 2 submitters: Uncertain significance (2). Last evaluated 2024-03-11.

Conditions:
Acromesomelic dysplasia 1, Maroteaux type (AMD1). Also called: ST. HELENA DYSPLASIA; ACROMESOMELIC DYSPLASIA 1. Identifiers: Orphanet 40, MedGen C1864356, MONDO:0011275, OMIM 602875.
Tall stature-scoliosis-macrodactyly of the great toes syndrome. Also called: Epiphyseal chondrodysplasia, miura type. Identifiers: Orphanet 329191, MedGen C4014690, MONDO:0014401, OMIM 615923.

Allele frequency attached by ClinVar (database versions not stated): gnomAD exomes below 0.00001.
gnomAD v4.1: 1 of 1,614,148 alleles (0.000062%); highest among the groups gnomAD compares: South Asian, 0.0011%; no homozygotes.

Submissions (2):

GeneDx
Classification: Uncertain significance. Last evaluated: 2024-03-11. Review status: criteria provided, single submitter. Criteria: GeneDx Variant Classification Process June 2021. Collection method: clinical testing. Allele origin: germline. Affected: yes.
Comment: Not observed at significant frequency in large population cohorts (gnomAD); In silico analysis supports that this missense variant does not alter protein structure/function; Has not been previously published as pathogenic or benign to our knowledge

Labcorp Genetics (formerly Invitae), Labcorp
Classification: Uncertain significance for Tall stature-scoliosis-macrodactyly of the great toes syndrome; Acromesomelic dysplasia 1, Maroteaux type. Last evaluated: 2023-11-14. Review status: criteria provided, single submitter. Criteria: Invitae Variant Classification Sherloc (09022015). Collection method: clinical testing. Allele origin: germline.
Comment: This sequence change replaces tyrosine, which is neutral and polar, with phenylalanine, which is neutral and non-polar, at codon 136 of the NPR2 protein (p.Tyr136Phe). This variant is not present in population databases (gnomAD no frequency). This variant has not been reported in the literature in individuals affected with NPR2-related conditions. An algorithm developed to predict the effect of missense changes on protein structure and function (PolyPhen-2) suggests that this variant is likely to be tolerated. In summary, the available evidence is currently insufficient to determine the role of this variant in disease. Therefore, it has been classified as a Variant of Uncertain Significance.